The following is an entry in ClinVar:

NM_015559.3(SETBP1):c.4013C>A (p.Pro1338His)

Gene: SETBP1 (SET binding protein 1; plus strand). Cytogenetic location: 18q12.3.
Variant type: single nucleotide variant.
Coding change: c.4013C>A on transcript NM_015559.3 (MANE Select); coding-DNA position 4013, C replaced by A.
Protein change: p.Pro1338His; replaces proline 1338 with histidine.
Molecular consequence: missense variant.
Genome position (GRCh38, 1-based): chr18:45,038,497, C>A. VCF-style: chr18-45038497-C-A. GRCh37 (hg19) VCF-style: chr18-42618462-C-A.
Other names: c.4013C>A (NM_015559.2); c.4013C>A, p.Pro1338His (NM_001379141.1, NM_001379142.1); short protein forms P1338H.
Identifiers: ClinVar variation 2174669 (VCV002174669.5), dbSNP rs1371131261, ClinGen allele CA402482330.

ClinVar aggregate classification (germline): Uncertain significance. Review status: criteria provided, multiple submitters, no conflicts (2 of 4 stars). 2 submissions from 2 submitters: Uncertain significance (2). Last evaluated 2025-11-19.

Conditions:
Inborn genetic diseases. Identifiers: MedGen C0950123, MeSH D030342.

Allele frequency attached by ClinVar (database versions not stated): gnomAD exomes below 0.00001; TOPMed below 0.00001; gnomAD 0.00001.
gnomAD v4.1: 2 of 1,613,912 alleles (0.00012%); highest among the groups gnomAD compares: African/African-American, 0.0027%; no homozygotes.

Submissions (2):

Ambry Genetics
Classification: Uncertain significance for Inborn genetic diseases. Last evaluated: 2025-11-19. Review status: criteria provided, single submitter. Criteria: Ambry Variant Classification Scheme 2023. Collection method: clinical testing. Allele origin: germline.

Labcorp Genetics (formerly Invitae), Labcorp
Classification: Uncertain significance. Last evaluated: 2023-10-17. Review status: criteria provided, single submitter. Criteria: Invitae Variant Classification Sherloc (09022015). Collection method: clinical testing. Allele origin: germline.
Comment: This sequence change replaces proline, which is neutral and non-polar, with histidine, which is basic and polar, at codon 1338 of the SETBP1 protein (p.Pro1338His). This variant is not present in population databases (gnomAD no frequency). This variant has not been reported in the literature in individuals affected with SETBP1-related conditions. ClinVar contains an entry for this variant (Variation ID: 2174669). Advanced modeling of protein sequence and biophysical properties (such as structural, functional, and spatial information, amino acid conservation, physicochemical variation, residue mobility, and thermodynamic stability) performed at Invitae indicates that this missense variant is not expected to disrupt SETBP1 protein function. In summary, the available evidence is currently insufficient to determine the role of this variant in disease. Therefore, it has been classified as a Variant of Uncertain Significance.